The following is an entry in ClinVar:

NM_001164277.2(SLC37A4):c.1224G>A (p.Thr408=)

Gene: SLC37A4 (solute carrier family 37 member 4; minus strand). Cytogenetic location: 11q23.3.
Variant type: single nucleotide variant.
Coding change: c.1224G>A on transcript NM_001164277.2 (MANE Select); coding-DNA position 1224, G replaced by A.
Protein change: p.Thr408=; no amino-acid change (threonine 408 retained).
Molecular consequence: synonymous variant.
Genome position (GRCh38, 1-based): chr11:119,024,976, C>T on the plus strand (G>A on the coding strand, the complement: SLC37A4 is on the minus strand). VCF-style: chr11-119024976-C-T. GRCh37 (hg19) VCF-style: chr11-118895686-C-T.
Other names: p.T408T:ACG>ACA; p.Thr408=; c.1290G>A, p.Thr430= (NM_001164278.2); c.1005G>A, p.Thr335= (NM_001164279.2); c.1224G>A, p.Thr408= (NM_001164280.2, NM_001467.6).
Identifiers: ClinVar variation 139192 (VCV000139192.18), dbSNP rs8192696, ClinGen allele CA293581.
Genomic context (GRCh38, chr11:119,024,976, plus strand): 5'-AGCCTTCTTGGACACTCGGCCCATCTTGGTGCGGATGTTTCGTAGGAGGAAGAAGGCAGC[C>T]GTGCTGGCCGCACAAATCACTTCAGCCACCCAGAAGGCTGTGCTCCAACTGTAGTGCTTG-3'
Protein context (NP_001157749.1, residues 398-418): WVAEVICAAS[Thr408=]AAFFLLRNIR

ClinVar aggregate classification (germline): Benign/Likely benign. Review status: criteria provided, multiple submitters, no conflicts (2 of 4 stars). 9 submissions from 8 submitters: Benign (7); Likely benign (1). 1 of the submissions does not count toward it. Last evaluated 2026-02-04.

Conditions:
Glucose-6-phosphate transport defect (GSD1B). Also called: Glycogen Storage Disease Type Ib; GSD Ib. Identifiers: Orphanet 364, Orphanet 79259, MedGen C0268146, MONDO:0009288, OMIM 232220.
Phosphate transport defect (GSD1C). Also called: GSD Ic; GLYCOGEN STORAGE DISEASE Ic. Identifiers: Orphanet 364, Orphanet 79259, MedGen C0342749, OMIM 232240.

Allele frequency attached by ClinVar (database versions not stated): gnomAD exomes 0.21353; ExAC 0.21875; TOPMed 0.24679; 1000 Genomes Project 0.24780; gnomAD 0.24878 and 0.24916; 1000 Genomes Project 30x 0.25078; ESP Exome Variant Server 0.25572.

Submissions (9):

Labcorp Genetics (formerly Invitae), Labcorp
Classification: Benign for Glucose-6-phosphate transport defect. Last evaluated: 2026-02-04. Review status: criteria provided, single submitter. Criteria: Invitae Variant Classification Sherloc (09022015). Collection method: clinical testing. Allele origin: germline.

Blueprint Genetics
Classification: Likely benign. Last evaluated: 2024-11-27. Review status: criteria provided, single submitter. Criteria: ACMG Guidelines, 2015. Collection method: clinical testing. Allele origin: germline.

Genome-Nilou Lab
Classification: Benign for Glucose-6-phosphate transport defect. Last evaluated: 2021-07-01. Review status: criteria provided, single submitter. Criteria: ACMG Guidelines, 2015. Collection method: clinical testing. Allele origin: germline. Affected: no.

Genome-Nilou Lab
Classification: Benign for Phosphate transport defect. Last evaluated: 2021-07-01. Review status: criteria provided, single submitter. Criteria: ACMG Guidelines, 2015. Collection method: clinical testing. Allele origin: germline. Affected: no.

Mayo Clinic Laboratories, Mayo Clinic
Classification: Benign. Last evaluated: 2018-04-03. Review status: criteria provided, single submitter. Criteria: ACMG Guidelines, 2015. Collection method: clinical testing. Allele origin: germline. Observed: 1,159 variant alleles.

GeneDx
Classification: Benign. Last evaluated: 2013-08-29. Review status: criteria provided, single submitter. Criteria: GeneDx Variant Classification (06012015). Collection method: clinical testing. Allele origin: germline. Affected: yes.
Comment: This variant is considered likely benign or benign based on one or more of the following criteria: it is a conservative change, it occurs at a poorly conserved position in the protein, it is predicted to be benign by multiple in silico algorithms, and/or has population frequency not consistent with disease.

Breakthrough Genomics
Classification: Benign. Review status: criteria provided, single submitter. Criteria: ACMG Guidelines, 2015. Collection method: not provided. Allele origin: germline. Inheritance: Autosomal recessive inheritance. Affected: yes.

PreventionGenetics, part of Exact Sciences
Classification: Benign. Review status: criteria provided, single submitter. Criteria: ACMG Guidelines, 2015. Collection method: clinical testing. Allele origin: germline.

Natera, Inc.
Classification: Benign for Glycogen storage disease type Ib. Last evaluated: 2020-09-16. Review status: no assertion criteria provided. Collection method: clinical testing. Allele origin: germline. Not counted in ClinVar's aggregate classification.